The following is an entry in ClinVar:

ClinVar aggregate classification (germline): Pathogenic. Review status: criteria provided, multiple submitters, no conflicts (2 of 4 stars). 10 submissions from 10 submitters: Pathogenic (9). 1 of the submissions does not count toward it. Last evaluated 2025-11-13.

Conditions:
Familial prostate cancer. Also called: Hereditary Prostate Cancer. Identifiers: MedGen C2931456, MONDO:0700275, OMIM 176807.
CHEK2-related cancer predisposition (TPDS4). Also called: TUMOR PREDISPOSITION SYNDROME 4; CANCER PREDISPOSITION SYNDROME, CHEK2-RELATED; CHEK2-related cancer susceptibility. Identifiers: Orphanet 524, MedGen C5882668, MONDO:0700271, OMIM 609265.
Bone osteosarcoma. Also called: Osteosarcoma, somatic. Identifiers: Orphanet 668, MedGen C0585442, MONDO:0002629, OMIM 259500.
Hereditary cancer-predisposing syndrome. Also called: Neoplastic Syndromes, Hereditary; Tumor predisposition; Hereditary neoplastic syndrome; Hereditary Cancer Syndrome. Identifiers: Orphanet 140162, MedGen C0027672, MeSH D009386, MONDO:0015356.
Familial cancer of breast. Also called: hereditary breast carcinoma; BREAST CANCER, FAMILIAL; Hereditary breast cancer. Identifiers: Orphanet 227535, MedGen C0346153, MONDO:0016419, OMIM 114480. Disease mechanism: loss of function.

Submissions (10):

Labcorp Genetics (formerly Invitae), Labcorp
Classification: Pathogenic for Familial cancer of breast. Last evaluated: 2025-11-13. Review status: criteria provided, single submitter. Criteria: Invitae Variant Classification Sherloc (09022015). Collection method: clinical testing. Allele origin: germline.
Comment: This sequence change creates a premature translational stop signal (p.Gln439*) in the CHEK2 gene. It is expected to result in an absent or disrupted protein product. Loss-of-function variants in CHEK2 are known to be pathogenic (PMID: 21876083, 24713400). This variant is present in population databases (no rsID available, gnomAD 0.004%). This variant has not been reported in the literature in individuals affected with CHEK2-related conditions. ClinVar contains an entry for this variant (Variation ID: 230206). RNA analysis performed to evaluate the impact of this premature translational stop signal on mRNA splicing indicates it does not significantly alter splicing (internal data). For these reasons, this variant has been classified as Pathogenic.

Institute for Biomarker Research, Medical Diagnostic Laboratories, L.L.C.
Classification: Pathogenic for Hereditary cancer-predisposing syndrome. Last evaluated: 2025-10-27. Review status: criteria provided, single submitter. Criteria: ACMG Guidelines, 2015. Collection method: clinical testing. Allele origin: germline.
Comment: The stop gained NM_001005735.2(CHEK2):c.1444C>T (p.Gln482Ter) has been reported to ClinVar as Pathogenic with a status of (2 stars) criteria provided, multiple submitters, no conflicts (Accession: VCV000230206.27). This variant is predicted to cause loss of normal protein function through protein truncation. This variant is a stop gained variant which occurs in an exon of CHEK2 upstream of where nonsense mediated decay is predicted to occur. This variant has been previously classified as pathogenic, indicating that the region is critical to protein function. The p.Gln482Ter variant is a loss of function variant in the gene CHEK2, which is intolerant of Loss of Function variants, as indicated by the presence of existing pathogenic loss of function variant NP_001005735.1:p.R3Vfs*4 and 741 others. For these reasons, this variant has been classified as Pathogenic.

Baylor Genetics
Classification: Pathogenic for Familial cancer of breast. Last evaluated: 2023-12-27. Review status: criteria provided, single submitter. Criteria: ACMG Guidelines, 2015. Collection method: clinical testing. Allele origin: unknown.

Ambry Genetics
Classification: Pathogenic for Hereditary cancer-predisposing syndrome. Last evaluated: 2023-10-09. Review status: criteria provided, single submitter. Criteria: Ambry Variant Classification Scheme 2023. Collection method: clinical testing. Allele origin: germline.
Comment: The p.Q439* pathogenic mutation (also known as c.1315C>T), located in coding exon 11 of the CHEK2 gene, results from a C to T substitution at nucleotide position 1315. This changes the amino acid from a glutamine to a stop codon within coding exon 11. This alteration has been reported in at least one subject in a study of 13087 breast cancer cases and 5488 control individuals in the UK (Decker B et al. J. Med. Genet., 2017 11;54:732-741). In addition to the clinical data presented in the literature, this alteration is expected to result in loss of function by premature protein truncation or nonsense-mediated mRNA decay. As such, this alteration is interpreted as a disease-causing mutation.

GeneDx
Classification: Pathogenic. Last evaluated: 2023-08-29. Review status: criteria provided, single submitter. Criteria: GeneDx Variant Classification Process June 2021. Collection method: clinical testing. Allele origin: germline. Affected: yes.
Comment: Nonsense variant predicted to result in protein truncation or nonsense mediated decay in a gene for which loss of function is a known mechanism of disease; Not observed at significant frequency in large population cohorts (gnomAD); Observed in individuals with personal or family history of breast or colorectal cancer (Decker et al., 2017; Dong et al., 2018; Gong et al., 2019); This variant is associated with the following publications: (PMID: 32805687, 28779002, 30039884, 31118792, Sadaps2019[Abstract])

Myriad Genetics, Inc.
Classification: Pathogenic for Familial cancer of breast. Last evaluated: 2023-03-08. Review status: criteria provided, single submitter. Criteria: Myriad Autosomal Dominant, Autosomal Recessive and X-Linked Classification Criteria (2023). Collection method: clinical testing. Allele origin: unknown.
Comment: This variant is considered pathogenic. This variant creates a termination codon and is predicted to result in premature protein truncation.

Color Diagnostics, LLC DBA Color Health
Classification: Pathogenic for Hereditary cancer-predisposing syndrome. Last evaluated: 2022-09-16. Review status: criteria provided, single submitter. Criteria: ACMG Guidelines, 2015. Collection method: clinical testing. Allele origin: germline.
Comment: This variant changes 1 nucleotide in exon 12 of the CHEK2 gene, creating a premature translation stop signal. This variant is expected to result in an absent or non-functional protein product. This variant has been observed in two individuals affected with breast cancer and two unaffected individuals in breast cancer case-control studies (PMID: 28779002, 33471991). It has also been reported in an individual with colorectal cancer (PMID: 31118792). This variant has been identified in 1/251024 chromosomes in the general population by the Genome Aggregation Database (gnomAD). Loss of CHEK2 function is a known mechanism of disease. Based on the available evidence, this variant is classified as Pathogenic.

Revvity Omics, Revvity
Classification: Pathogenic. Last evaluated: 2019-02-01. Review status: criteria provided, single submitter. Criteria: ACMG Guidelines, 2015. Collection method: clinical testing. Allele origin: germline.

Juno Genomics, Hangzhou Juno Genomics, Inc
Classification: Pathogenic for CHEK2-related cancer predisposition; Bone osteosarcoma; Familial prostate cancer. Review status: criteria provided, single submitter. Criteria: ACMG Guidelines, 2015. Collection method: clinical testing. Allele origin: germline.
Comment: Absent from controls (or at extremely low frequency if recessive) in Genome Aggregation Database.;Null variant in a gene where loss of function (LOF) is a known mechanism of disease.;The prevalence of the variant in affected individuals is significantly increased compared to the prevalence in controls.

Counsyl
Classification: Likely pathogenic for Familial cancer of breast. Last evaluated: 2017-04-20. Review status: no assertion criteria provided. Collection method: clinical testing. Allele origin: unknown. Not counted in ClinVar's aggregate classification.

Literature cited by the submitters: PubMed 21876083 (cited by Labcorp Genetics (formerly Invitae), Labcorp); PubMed 24713400 (cited by Labcorp Genetics (formerly Invitae), Labcorp); PubMed 28779002 (cited by Ambry Genetics and Color Diagnostics, LLC DBA Color Health); PubMed 31118792 (cited by Ambry Genetics and Color Diagnostics, LLC DBA Color Health); PubMed 33471991 (cited by Color Diagnostics, LLC DBA Color Health).

NM_007194.4(CHEK2):c.1315C>T (p.Gln439Ter)

Gene: CHEK2 (checkpoint kinase 2; minus strand). Cytogenetic location: 22q12.1.
Variant type: single nucleotide variant.
Coding change: c.1315C>T on transcript NM_007194.4 (MANE Select); coding-DNA position 1315, C replaced by T.
Protein change: p.Gln439Ter; replaces glutamine 439 with a stop codon.
Molecular consequence: nonsense.
Genome position (GRCh38, 1-based): chr22:28,695,187, G>A on the plus strand (C>T on the coding strand, the complement: CHEK2 is on the minus strand). VCF-style: chr22-28695187-G-A. GRCh37 (hg19) VCF-style: chr22-29091175-G-A.
Other names: c.652C>T, p.Gln218Ter (NM_001257387.3); c.1114C>T, p.Gln372Ter (NM_001349956.3); c.1228C>T, p.Gln410Ter (NM_145862.3); c.1444C>T, p.Gln482Ter (NM_001005735.3); short protein forms Q439*, Q372*, Q410*, Q218*, Q482*.
Identifiers: ClinVar variation 230206 (VCV000230206.31), dbSNP rs778989252, ClinGen allele CA10581042.